The following is an entry in ClinVar:

NM_002016.2(FLG):c.1020T>A (p.Asp340Glu)

Genes: FLG (filaggrin; minus strand), FLG-AS1 (FLG antisense RNA 1; plus strand). Cytogenetic location: 1q21.3.
Variant type: single nucleotide variant.
Coding change: c.1020T>A on transcript NM_002016.2 (MANE Select); coding-DNA position 1020, T replaced by A.
Protein change: p.Asp340Glu; replaces aspartic acid 340 with glutamic acid.
Molecular consequence: missense variant. On other transcripts: non-coding transcript variant (1).
Genome position (GRCh38, 1-based): chr1:152,313,866, A>T on the plus strand (T>A on the coding strand, the complement: FLG is on the minus strand). VCF-style: chr1-152313866-A-T. GRCh37 (hg19) VCF-style: chr1-152286342-A-T.
Other names: short protein forms D340E.
Identifiers: ClinVar variation 1050094 (VCV001050094.1), dbSNP rs140261784, ClinGen allele CA1107825.

ClinVar aggregate classification (germline): Uncertain significance (0 of 4 stars; one submission).

Allele frequency attached by ClinVar (database versions not stated): gnomAD exomes 0.00040; ExAC 0.00042; ESP Exome Variant Server 0.00085.
gnomAD v4.1: 1,903 of 1,613,900 alleles (0.12%); highest among the groups gnomAD compares: Non-Finnish European, 0.15%; 1 homozygote.

Submission:

Department of Pathology and Laboratory Medicine, Sinai Health System
Classification: Uncertain significance. Review status: no assertion criteria provided. Collection method: clinical testing. Allele origin: unknown. Affected: yes. Study: The Canadian Open Genetics Repository (COGR).
Comment: The FLG p.Asp340Glu variant was not identified in the literature nor was it identified in ClinVar. The variant was identified in dbSNP (ID: rs140261784) and in control databases in 120 of 282846 chromosomes at a frequency of 0.0004243 increasing the likelihood this could be a low frequency benign variant (Genome Aggregation Database March 6, 2019, v2.1.1). The variant was observed in the following populations: European (non-Finnish) in 103 of 129166 chromosomes (freq: 0.000797), African in 11 of 24952 chromosomes (freq: 0.000441), Other in 2 of 7228 chromosomes (freq: 0.000277), East Asian in 2 of 19954 chromosomes (freq: 0.0001) and European (Finnish) in 2 of 25122 chromosomes (freq: 0.00008), but was not observed in the Latino, Ashkenazi Jewish, or South Asian populations. The p.Asp340 residue is not conserved in mammals and computational analyses (PolyPhen-2, SIFT, AlignGVGD, BLOSUM, MutationTaster) do not suggest a high likelihood of impact to the protein; however, this information is not predictive enough to rule out pathogenicity. The variant occurs outside of the splicing consensus sequence and in silico or computational prediction software programs (SpliceSiteFinder, MaxEntScan, NNSPLICE, GeneSplicer) do not predict a difference in splicing. In summary, based on the above information the clinical significance of this variant cannot be determined with certainty at this time. This variant is classified as a variant of uncertain significance.